The following is an entry in ClinVar:

NM_020699.4(GATAD2B):c.454G>C (p.Glu152Gln)

Gene: GATAD2B (GATA zinc finger domain containing 2B; minus strand). Cytogenetic location: 1q21.3.
Variant type: single nucleotide variant.
Coding change: c.454G>C on transcript NM_020699.4 (MANE Select); coding-DNA position 454, G replaced by C.
Protein change: p.Glu152Gln; replaces glutamic acid 152 with glutamine.
Molecular consequence: missense variant.
Genome position (GRCh38, 1-based): chr1:153,819,617, C>G on the plus strand (G>C on the coding strand, the complement: GATAD2B is on the minus strand). VCF-style: chr1-153819617-C-G. GRCh37 (hg19) VCF-style: chr1-153792093-C-G.
Other names: short protein forms E152Q.
Identifiers: ClinVar variation 2812017 (VCV002812017.3), dbSNP rs113111410, ClinGen allele CA342534887.
Genomic context (GRCh38, chr1:153,819,617, plus strand): 5'-AAAATAGAAGGAGCATAACAAGAAGAAAGAAATTTTTCTTTCTTTTTACCTTAAACATCT[C>G]TAAGTTGGCTGCTTTGAGTCTTTCTTCCATTCTGGAACTGGAACGGGGACTGGAAGCCTC-3'
Protein context (NP_065750.1, residues 142-162): MEERLKAANL[Glu152Gln]MFKGKGIEER

ClinVar aggregate classification (germline): Uncertain significance (1 of 4 stars; one submission).

Allele frequency attached by ClinVar (database versions not stated): gnomAD exomes below 0.00001.
gnomAD v4.1: 2 of 1,602,826 alleles (0.00012%); no homozygotes.

Submission:

Labcorp Genetics (formerly Invitae), Labcorp
Classification: Uncertain significance. Last evaluated: 2022-12-27. Review status: criteria provided, single submitter. Criteria: Invitae Variant Classification Sherloc (09022015). Collection method: clinical testing. Allele origin: germline.
Comment: This sequence change replaces glutamic acid, which is acidic and polar, with glutamine, which is neutral and polar, at codon 152 of the GATAD2B protein (p.Glu152Gln). This variant is present in population databases (no rsID available, gnomAD 0.005%). This variant has not been reported in the literature in individuals affected with GATAD2B-related conditions. Advanced modeling of protein sequence and biophysical properties (such as structural, functional, and spatial information, amino acid conservation, physicochemical variation, residue mobility, and thermodynamic stability) has been performed at Invitae for this missense variant, however the output from this modeling did not meet the statistical confidence thresholds required to predict the impact of this variant on GATAD2B protein function. In summary, the available evidence is currently insufficient to determine the role of this variant in disease. Therefore, it has been classified as a Variant of Uncertain Significance.